The following is an entry in ClinVar:

NM_006348.5(COG5):c.1791_1794del (p.Thr598fs)

Gene: COG5 (component of oligomeric golgi complex 5; minus strand). Cytogenetic location: 7q22.3.
Variant type: Deletion.
Coding change: c.1791_1794del on transcript NM_006348.5 (MANE Select); coding-DNA positions 1791 to 1794, 4 bases deleted (CACT; older notation c.1791_1794delCACT).
Protein change: p.Thr598fs; shifts the reading frame from threonine 598.
Molecular consequence: frameshift variant.
Genome position (GRCh38, 1-based): chr7:107,248,455-107,248,458, AGTG deleted on the plus strand (CACT on the coding strand, the reverse complement: COG5 is on the minus strand); deleting any 4 consecutive bases within chr7:107,248,455-107,248,461 gives the same sequence; the c. name uses the placement nearest the transcript's 3' end. VCF-style (leftmost placement, unchanged base first): chr7-107248454-AAGTG-A. GRCh37 (hg19) VCF-style: chr7-106888899-AAGTG-A.
Other names: c.1791_1794del, p.Thr598fs (NM_001161520.2, NM_001379513.1, NM_001379514.1); c.1629_1632del, p.Thr544fs (NM_001379511.1); c.1617_1620del, p.Thr540fs (NM_001379512.1); c.1221_1224del, p.Thr408fs (NM_001379515.1); c.1077_1080del, p.Thr360fs (NM_001379516.1); c.1728_1731del, p.Thr577fs (NM_181733.4); short protein forms T360fs, T544fs, T598fs, T577fs, T408fs, T540fs.
Identifiers: ClinVar variation 1366509 (VCV001366509.6), dbSNP rs771651520, ClinGen allele CA4430778.

ClinVar aggregate classification (germline): Pathogenic (1 of 4 stars; one submission).

Conditions:
COG5-congenital disorder of glycosylation. Also called: CONGENITAL DISORDER OF GLYCOSYLATION, TYPE IIi; COG5-CDG; CDG IIi. Identifiers: Orphanet 263487, MedGen C3150876, MONDO:0013325, OMIM 613612.

Submission:

Labcorp Genetics (formerly Invitae), Labcorp
Classification: Pathogenic for COG5-congenital disorder of glycosylation. Last evaluated: 2021-08-24. Review status: criteria provided, single submitter. Criteria: Invitae Variant Classification Sherloc (09022015). Collection method: clinical testing. Allele origin: germline.
Comment: For these reasons, this variant has been classified as Pathogenic. This variant has not been reported in the literature in individuals affected with COG5-related conditions. This variant is present in population databases (rs771651520, ExAC 0.002%). This sequence change creates a premature translational stop signal (p.Thr629Leufs*6) in the COG5 gene. It is expected to result in an absent or disrupted protein product. Loss-of-function variants in COG5 are known to be pathogenic (PMID: 23228021).

Literature cited by the submitters: PubMed 23228021.